The following is an entry in ClinVar:

ClinVar aggregate classification (germline): Pathogenic (1 of 4 stars; one submission).

Conditions:
Familial focal epilepsy with variable foci (FPEVF). Identifiers: Orphanet 98820, MedGen C1858477, MONDO:0020310.

Submission:

Labcorp Genetics (formerly Invitae), Labcorp
Classification: Pathogenic for Familial focal epilepsy with variable foci. Last evaluated: 2022-08-24. Review status: criteria provided, single submitter. Criteria: Invitae Variant Classification Sherloc (09022015). Collection method: clinical testing. Allele origin: germline.
Comment: This sequence change creates a premature translational stop signal (p.Trp1315*) in the DEPDC5 gene. It is expected to result in an absent or disrupted protein product. Loss-of-function variants in DEPDC5 are known to be pathogenic (PMID: 23542697, 23542701). This variant is not present in population databases (gnomAD no frequency). This variant has not been reported in the literature in individuals affected with DEPDC5-related conditions. For these reasons, this variant has been classified as Pathogenic.

Literature cited by the submitters: PubMed 23542697; PubMed 23542701.

NM_001242896.3(DEPDC5):c.3945G>A (p.Trp1315Ter)

Gene: DEPDC5 (DEP domain containing 5, GATOR1 subcomplex subunit; plus strand). Cytogenetic location: 22q12.3.
Variant type: single nucleotide variant.
Coding change: c.3945G>A on transcript NM_001242896.3 (MANE Select); coding-DNA position 3945, G replaced by A.
Protein change: p.Trp1315Ter; replaces tryptophan 1315 with a stop codon.
Molecular consequence: nonsense. On other transcripts: non-coding transcript variant (5).
Genome position (GRCh38, 1-based): chr22:31,879,664, G>A. VCF-style: chr22-31879664-G-A. GRCh37 (hg19) VCF-style: chr22-32275650-G-A.
Other names: c.3918G>A, p.Trp1306Ter (NM_001136029.4); c.3645G>A, p.Trp1215Ter (NM_001242897.2); c.3879G>A, p.Trp1293Ter (NM_001363852.2, NM_001364320.2); c.3711G>A, p.Trp1237Ter (NM_001363854.2, NM_001364319.2); c.3945G>A, p.Trp1315Ter (NM_001364318.2); c.3861G>A, p.Trp1287Ter (NM_001369901.1, NM_001369902.1); c.3852G>A, p.Trp1284Ter (NM_001369903.1, NM_014662.6); short protein forms W1215*, W1237*, W1284*, W1293*, W1306*, W1315*, W1287*.
Identifiers: ClinVar variation 1994575 (VCV001994575.4), dbSNP rs2522692819, ClinGen allele CA411282549.